The following is an entry in ClinVar:

NM_001170629.2(CHD8):c.5187G>C (p.Gln1729His)

Gene: CHD8 (chromodomain helicase DNA binding protein 8; minus strand). Cytogenetic location: 14q11.2.
Variant type: single nucleotide variant.
Coding change: c.5187G>C on transcript NM_001170629.2 (MANE Select); coding-DNA position 5187, G replaced by C.
Protein change: p.Gln1729His; replaces glutamine 1729 with histidine.
Molecular consequence: missense variant.
Genome position (GRCh38, 1-based): chr14:21,395,115, C>G on the plus strand (G>C on the coding strand, the complement: CHD8 is on the minus strand). VCF-style: chr14-21395115-C-G. GRCh37 (hg19) VCF-style: chr14-21863274-C-G.
Other names: c.4350G>C, p.Gln1450His (NM_020920.4); short protein forms Q1450H, Q1729H.
Identifiers: ClinVar variation 1309886 (VCV001309886.2), dbSNP rs1887719780, ClinGen allele CA388884312.

ClinVar aggregate classification (germline): Uncertain significance (1 of 4 stars; one submission).

Submission:

GeneDx
Classification: Uncertain significance. Last evaluated: 2019-11-22. Review status: criteria provided, single submitter. Criteria: GeneDx Variant Classification Process June 2021. Collection method: clinical testing. Allele origin: germline. Affected: yes.
Comment: Not observed in large population cohorts (Lek et al., 2016); In silico analysis, which includes protein predictors and evolutionary conservation, supports that this variant does not alter protein structure/function; Has not been previously published as pathogenic or benign to our knowledge